The following is an entry in ClinVar:

NM_005188.4(CBL):c.1493C>A (p.Pro498Gln)

Gene: CBL (Cbl proto-oncogene; plus strand). Cytogenetic location: 11q23.3.
Variant type: single nucleotide variant.
Coding change: c.1493C>A on transcript NM_005188.4 (MANE Select); coding-DNA position 1493, C replaced by A.
Protein change: p.Pro498Gln; replaces proline 498 with glutamine.
Molecular consequence: missense variant.
Genome position (GRCh38, 1-based): chr11:119,285,030, C>A. VCF-style: chr11-119285030-C-A. GRCh37 (hg19) VCF-style: chr11-119155740-C-A.
Other names: short protein forms P498Q.
Identifiers: ClinVar variation 4843621 (VCV004843621.1).
Genomic context (GRCh38, chr11:119,285,030, plus strand): 5'-TGGAACGGCCGCCTTCTCCATTCTCCATGGCCCCACAAGCTTCCCTTCCCCCGGTGCCAC[C>A]ACGACTTGACCTTCTGCCGCAGCGAGTATGTGTTCCCTCAAGTGCTTCTGCTCTTGGAAC-3'
Protein context (NP_005179.2, residues 488-508): APQASLPPVP[Pro498Gln]RLDLLPQRVC

ClinVar aggregate classification (germline): Uncertain significance (1 of 4 stars; one submission).

Conditions:
Cardiovascular phenotype. Identifiers: MedGen CN230736.

Submission:

Ambry Genetics
Classification: Uncertain significance for Cardiovascular phenotype. Last evaluated: 2025-12-29. Review status: criteria provided, single submitter. Criteria: Ambry Variant Classification Scheme 2023. Collection method: clinical testing. Allele origin: germline.
Comment: The p.P498Q variant (also known as c.1493C>A), located in coding exon 10 of the CBL gene, results from a C to A substitution at nucleotide position 1493. The proline at codon 498 is replaced by glutamine, an amino acid with similar properties. This amino acid position is conserved. In addition, the in silico prediction for this alteration is inconclusive. Based on the available evidence, the clinical significance of this variant remains unclear.